The following is an entry in ClinVar:

ClinVar aggregate classification (germline): Pathogenic (1 of 4 stars; one submission).

Submission:

GeneDx
Classification: Pathogenic. Last evaluated: 2020-06-30. Review status: criteria provided, single submitter. Criteria: GeneDx Variant Classification Process June 2021. Collection method: clinical testing. Allele origin: germline. Affected: yes.
Comment: Frameshift variant predicted to result in protein truncation or nonsense mediated decay in a gene for which loss-of-function is a known mechanism of disease; Not observed in large population cohorts (Lek et al., 2016); Has not been previously published as pathogenic or benign to our knowledge

NM_000252.3(MTM1):c.503del (p.Asn168fs)

Gene: MTM1 (myotubularin 1; plus strand). Cytogenetic location: Xq28.
Variant type: Deletion.
Coding change: c.503del on transcript NM_000252.3 (MANE Select); coding-DNA position 503, one base deleted (A; older notation c.503delA).
Protein change: p.Asn168fs; shifts the reading frame from asparagine 168.
Molecular consequence: frameshift variant.
Genome position (GRCh38, 1-based): chrX:150,639,001, A deleted; the last of 2 consecutive A bases (chrX:150,639,000-150,639,001); deleting either gives the same sequence. VCF-style (leftmost placement, unchanged base first): chrX-150638999-CA-C. GRCh37 (hg19) VCF-style: chrX-149807472-CA-C.
Other names: c.503del, p.Asn168fs (NM_001376906.1, NM_001376908.1); c.392del, p.Asn131fs (NM_001376907.1); short protein forms N131fs, N168fs.
Identifiers: ClinVar variation 817449 (VCV000817449.3), dbSNP rs1603185038, ClinGen allele CA915952007.